The following is an entry in ClinVar:

NC_000023.10:g.(?_32429849)_(32503236_?)dup

Gene: DMD (dystrophin; minus strand). Cytogenetic location: Xp21.1.
Variant type: Duplication.
Identifiers: ClinVar variation 3242954 (VCV003242954.1).

ClinVar aggregate classification (germline): Uncertain significance (1 of 4 stars; one submission).

Conditions:
Duchenne muscular dystrophy (DMD). Also called: MUSCULAR DYSTROPHY, PSEUDOHYPERTROPHIC PROGRESSIVE, DUCHENNE TYPE; Duchenne Muscular Dystrophy (DMD). Identifiers: Orphanet 98896, MedGen C0013264, MONDO:0010679, OMIM 310200.

Submission:

Labcorp Genetics (formerly Invitae), Labcorp
Classification: Uncertain significance for Duchenne muscular dystrophy. Last evaluated: 2023-03-04. Review status: criteria provided, single submitter. Criteria: Invitae Variant Classification Sherloc (09022015). Collection method: clinical testing. Allele origin: unknown.
Comment: In summary, the available evidence is currently insufficient to determine the role of this variant in disease. Therefore, it has been classified as a Variant of Uncertain Significance. A similar copy number variant has been observed in individual(s) with DMD-related conditions (PMID: 31139960). This variant results in a copy number gain of the genomic region encompassing exon(s) 21-30 of the DMD gene. While the exact position of this variant cannot be determined from the data, sub-genic copy number gains are generally in tandem (PMID: 25640679). This variant is predicted to be in-frame, and likely preserves the integrity of the reading frame.

Literature cited by the submitters: PubMed 31139960; PubMed 25640679.